The following is an entry in ClinVar:

ClinVar aggregate classification (germline): Uncertain significance (1 of 4 stars; one submission).

Conditions:
Immunodeficiency 35 (IMD35). Also called: HIES WITH ATYPICAL MYCOBACTERIOSIS, AUTOSOMAL RECESSIVE; HYPER-IgE SYNDROME WITH ATYPICAL MYCOBACTERIOSIS, AUTOSOMAL RECESSIVE; Susceptibility to infection due to TYK2 deficiency; TYK2 DEFICIENCY. Identifiers: Orphanet 331226, MedGen C1969086, MONDO:0012682, OMIM 611521.

Submission:

Labcorp Genetics (formerly Invitae), Labcorp
Classification: Uncertain significance for Immunodeficiency 35. Last evaluated: 2021-07-12. Review status: criteria provided, single submitter. Criteria: Invitae Variant Classification Sherloc (09022015). Collection method: clinical testing. Allele origin: germline.
Comment: This sequence change replaces glycine with arginine at codon 512 of the TYK2 protein (p.Gly512Arg). The glycine residue is highly conserved and there is a moderate physicochemical difference between glycine and arginine. This variant is present in population databases (rs146786766, ExAC 0.002%). This variant has not been reported in the literature in individuals affected with TYK2-related conditions. Algorithms developed to predict the effect of missense changes on protein structure and function output the following: SIFT: "Not Available"; PolyPhen-2: "Benign"; Align-GVGD: "Not Available". The arginine amino acid residue is found in multiple mammalian species, which suggests that this missense change does not adversely affect protein function. In summary, the available evidence is currently insufficient to determine the role of this variant in disease. Therefore, it has been classified as a Variant of Uncertain Significance.

NM_003331.5(TYK2):c.1534G>C (p.Gly512Arg)

Gene: TYK2 (tyrosine kinase 2; minus strand). Cytogenetic location: 19p13.2.
Variant type: single nucleotide variant.
Coding change: c.1534G>C on transcript NM_003331.5 (MANE Select); coding-DNA position 1534, G replaced by C.
Protein change: p.Gly512Arg; replaces glycine 512 with arginine.
Molecular consequence: missense variant. On other transcripts: intron variant (1).
Genome position (GRCh38, 1-based): chr19:10,362,399, C>G on the plus strand (G>C on the coding strand, the complement: TYK2 is on the minus strand). VCF-style: chr19-10362399-C-G. GRCh37 (hg19) VCF-style: chr19-10473075-C-G.
Other names: c.1534G>C, p.Gly512Arg (NM_001385197.1, NM_001385198.1, NM_001385199.1 and 5 more transcripts); c.1336G>C, p.Gly446Arg (NM_001385201.1); c.1444G>C, p.Gly482Arg (NM_001385205.1); c.1477-69G>C (NM_001385206.1); short protein forms G512R, G446R, G482R.
Identifiers: ClinVar variation 1368668 (VCV001368668.8), dbSNP rs146786766, ClinGen allele CA9193389.